The following is an entry in ClinVar:

ClinVar aggregate classification (germline): Uncertain significance (1 of 4 stars; one submission).

Conditions:
Early-onset Lafora body disease. Also called: Epilepsy, progressive myoclonic, 10. Identifiers: Orphanet 324290, MedGen C4225258, MONDO:0014717, OMIM 616640.

Submission:

Labcorp Genetics (formerly Invitae), Labcorp
Classification: Uncertain significance for Early-onset Lafora body disease. Last evaluated: 2024-05-06. Review status: criteria provided, single submitter. Criteria: Invitae Variant Classification Sherloc (09022015). Collection method: clinical testing. Allele origin: germline.
Comment: This sequence change replaces lysine, which is basic and polar, with asparagine, which is neutral and polar, at codon 391 of the PRDM8 protein (p.Lys391Asn). This variant is not present in population databases (gnomAD no frequency). This variant has not been reported in the literature in individuals affected with PRDM8-related conditions. ClinVar contains an entry for this variant (Variation ID: 939481). Advanced modeling of protein sequence and biophysical properties (such as structural, functional, and spatial information, amino acid conservation, physicochemical variation, residue mobility, and thermodynamic stability) performed at Invitae indicates that this missense variant is not expected to disrupt PRDM8 protein function with a negative predictive value of 80%. In summary, the available evidence is currently insufficient to determine the role of this variant in disease. Therefore, it has been classified as a Variant of Uncertain Significance.

NM_001099403.2(PRDM8):c.1173G>T (p.Lys391Asn)

Gene: PRDM8 (PR/SET domain 8; plus strand). Cytogenetic location: 4q21.21.
Variant type: single nucleotide variant.
Coding change: c.1173G>T on transcript NM_001099403.2 (MANE Select); coding-DNA position 1173, G replaced by T.
Protein change: p.Lys391Asn; replaces lysine 391 with asparagine.
Molecular consequence: missense variant.
Genome position (GRCh38, 1-based): chr4:80,202,635, G>T. VCF-style: chr4-80202635-G-T. GRCh37 (hg19) VCF-style: chr4-81123789-G-T.
Other names: c.1173G>T, p.Lys391Asn (NM_020226.4); short protein forms K391N.
Identifiers: ClinVar variation 939481 (VCV000939481.9), dbSNP rs1292648964, ClinGen allele CA357399013.